The following is an entry in ClinVar:

ClinVar aggregate classification (germline): Uncertain significance. Review status: criteria provided, multiple submitters, no conflicts (2 of 4 stars). 2 submissions from 2 submitters: Uncertain significance (2). Last evaluated 2025-08-02.

Conditions:
Hereditary cancer-predisposing syndrome. Also called: Neoplastic Syndromes, Hereditary; Tumor predisposition; Hereditary neoplastic syndrome; Hereditary Cancer Syndrome. Identifiers: Orphanet 140162, MedGen C0027672, MeSH D009386, MONDO:0015356.
Cardiovascular phenotype. Identifiers: MedGen CN230736.

Submissions (2):

Labcorp Genetics (formerly Invitae), Labcorp
Classification: Uncertain significance. Last evaluated: 2025-08-02. Review status: criteria provided, single submitter. Criteria: Invitae Variant Classification Sherloc (09022015). Collection method: clinical testing. Allele origin: germline.
Comment: This sequence change replaces proline, which is neutral and non-polar, with glutamine, which is neutral and polar, at codon 281 of the LZTR1 protein (p.Pro281Gln). This variant is not present in population databases (gnomAD no frequency). This variant has not been reported in the literature in individuals affected with LZTR1-related conditions. ClinVar contains an entry for this variant (Variation ID: 3238352). Invitae Evidence Modeling of protein sequence and biophysical properties (such as structural, functional, and spatial information, amino acid conservation, physicochemical variation, residue mobility, and thermodynamic stability) indicates that this missense variant is not expected to disrupt LZTR1 protein function with a negative predictive value of 80%. This variant disrupts the p.Pro281 amino acid residue in LZTR1. Other variant(s) that disrupt this residue have been determined to be pathogenic (external communication). This suggests that this residue is clinically significant, and that variants that disrupt this residue are likely to be disease-causing. In summary, the available evidence is currently insufficient to determine the role of this variant in disease. Therefore, it has been classified as a Variant of Uncertain Significance.

Ambry Genetics
Classification: Uncertain significance for Cardiovascular phenotype; Hereditary cancer-predisposing syndrome. Last evaluated: 2024-03-13. Review status: criteria provided, single submitter. Criteria: Ambry Variant Classification Scheme 2023. Collection method: clinical testing. Allele origin: germline.
Comment: The p.P281Q variant (also known as c.842C>A), located in coding exon 9 of the LZTR1 gene, results from a C to A substitution at nucleotide position 842. The proline at codon 281 is replaced by glutamine, an amino acid with similar properties. This amino acid position is highly conserved in available vertebrate species. In addition, the in silico prediction for this alteration is inconclusive. Based on the available evidence, the clinical significance of this alteration remains unclear.

NM_006767.4(LZTR1):c.842C>A (p.Pro281Gln)

Gene: LZTR1 (leucine zipper like post translational regulator 1; plus strand). Cytogenetic location: 22q11.21.
Variant type: single nucleotide variant.
Coding change: c.842C>A on transcript NM_006767.4 (MANE Select); coding-DNA position 842, C replaced by A.
Protein change: p.Pro281Gln; replaces proline 281 with glutamine.
Molecular consequence: missense variant.
Genome position (GRCh38, 1-based): chr22:20,991,678, C>A. VCF-style: chr22-20991678-C-A. GRCh37 (hg19) VCF-style: chr22-21345967-C-A.
Other names: short protein forms P281Q.
Identifiers: ClinVar variation 3238352 (VCV003238352.2), dbSNP rs1390048261.